The following is an entry in ClinVar:

NM_025114.4(CEP290):c.1864_1865del (p.Asp622fs)

Gene: CEP290 (centrosomal protein 290; minus strand). Cytogenetic location: 12q21.32.
Variant type: Microsatellite.
Coding change: c.1864_1865del on transcript NM_025114.4 (MANE Select); coding-DNA positions 1864 to 1865, 2 bases deleted (GA; older notation c.1864_1865delGA).
Protein change: p.Asp622fs; shifts the reading frame from aspartic acid 622.
Molecular consequence: frameshift variant.
Genome position (GRCh38, 1-based): chr12:88,115,142-88,115,143, TC deleted on the plus strand (GA on the coding strand, the reverse complement: CEP290 is on the minus strand); deleting any 2 consecutive bases within chr12:88,115,142-88,115,146 gives the same sequence; the c. name uses the placement nearest the transcript's 3' end. VCF-style (leftmost placement, unchanged base first): chr12-88115141-ATC-A. GRCh37 (hg19) VCF-style: chr12-88508918-ATC-A.
Other names: c.1864_1865delGA (NM_025114.4); short protein forms D622fs.
Identifiers: ClinVar variation 838153 (VCV000838153.15), dbSNP rs1033594764, ClinGen allele CA241149837.

ClinVar aggregate classification (germline): Pathogenic. Review status: criteria provided, multiple submitters, no conflicts (2 of 4 stars). 6 submissions from 6 submitters: Pathogenic (6). Last evaluated 2025-12-29.

Conditions:
Senior-Loken syndrome 6 (SLSN6). Identifiers: Orphanet 3156, MedGen C1857779, MONDO:0012433, OMIM 610189.
Leber congenital amaurosis 10 (LCA10). Identifiers: Orphanet 65, MedGen C1857821, MONDO:0012723, OMIM 611755.
Bardet-Biedl syndrome 14 (BBS14). Identifiers: Orphanet 110, MedGen C2673874, MONDO:0014442, OMIM 615991.
Meckel syndrome, type 4 (MKS4). Also called: MECKEL-GRUBER SYNDROME, TYPE 4. Identifiers: Orphanet 564, MedGen C1970161, MONDO:0012626, OMIM 611134.
Joubert syndrome 5 (JBTS5). Identifiers: Orphanet 2318, MedGen C1857780, MONDO:0012432, OMIM 610188.
Meckel-Gruber syndrome. Also called: DYSENCEPHALIA SPLANCHNOCYSTICA; GRUBER SYNDROME; Dysencephalia splachnocystica. Identifiers: Orphanet 564, MedGen C0265215, MONDO:0018921.
Nephronophthisis. Also called: Juvenile Nephronophthisis. Identifiers: Orphanet 655, MedGen C0687120, MONDO:0019005, HP:0000090.
Joubert syndrome. Also called: CEREBELLOPARENCHYMAL DISORDER IV; JOUBERT-BOLTSHAUSER SYNDROME; Familial aplasia of the vermis. Identifiers: Orphanet 475, MedGen C5979921, MONDO:0018772.
Retinal dystrophy. Also called: Inherited retinal dystrophy. Identifiers: Orphanet 71862, MedGen C0854723, MeSH D058499, MONDO:0019118, HP:0000556.
Leber congenital amaurosis (LCA). Also called: Leber's amaurosis. Identifiers: Orphanet 65, MedGen C0339527, MeSH D057130, MONDO:0018998.

Submissions (6):

Labcorp Genetics (formerly Invitae), Labcorp
Classification: Pathogenic for Joubert syndrome; Meckel-Gruber syndrome; Nephronophthisis. Last evaluated: 2025-12-29. Review status: criteria provided, single submitter. Criteria: Invitae Variant Classification Sherloc (09022015). Collection method: clinical testing. Allele origin: germline.
Comment: This sequence change creates a premature translational stop signal (p.Asp622Phefs*5) in the CEP290 gene. It is expected to result in an absent or disrupted protein product. Loss-of-function variants in CEP290 are known to be pathogenic (PMID: 16909394, 17345604, 20690115). This variant is not present in population databases (gnomAD no frequency). This premature translational stop signal has been observed in individual(s) with Leber congenital amaurosis (PMID: 28181551). ClinVar contains an entry for this variant (Variation ID: 838153). For these reasons, this variant has been classified as Pathogenic.

Natera, Inc.
Classification: Pathogenic for Leber congenital amaurosis. Last evaluated: 2025-04-15. Review status: criteria provided, single submitter. Criteria: Natera Variant Classification Schema (03/2026). Collection method: clinical testing. Allele origin: germline.
Comment: The c.1864_1865del variant in CEP290 is a frameshift variant predicted to shift the reading frame beginning at codon 622 and leads to a stop codon 5 codons downstream. This variant is expected to result in nonsense mediated decay, truncation, or a dysfunctional protein product. This variant is rare in the general population with a frequency below the threshold expected for the associated phenotype(s). This variant has been observed in one or more individuals affected with the associated recessive disease, as either homozygous or compound heterozygous with a second variant (PMID: 28181551). Given the available evidence, this variant is classified as Pathogenic.

GeneDx
Classification: Pathogenic. Last evaluated: 2025-01-30. Review status: criteria provided, single submitter. Criteria: GeneDx Variant Classification Process June 2021. Collection method: clinical testing. Allele origin: germline. Affected: yes.
Comment: Frameshift variant predicted to result in protein truncation or nonsense mediated decay in a gene for which loss of function is a known mechanism of disease; Not observed at significant frequency in large population cohorts (gnomAD); This variant is associated with the following publications: (PMID: 32579692, 28181551)

Fulgent Genetics
Classification: Pathogenic for Joubert syndrome 5; Senior-Loken syndrome 6; Meckel syndrome, type 4; Leber congenital amaurosis 10; Bardet-Biedl syndrome 14. Last evaluated: 2023-12-26. Review status: criteria provided, single submitter. Criteria: ACMG Guidelines, 2015. Collection method: clinical testing. Allele origin: germline.

Baylor Genetics
Classification: Pathogenic for Bardet-Biedl syndrome 14. Last evaluated: 2023-11-24. Review status: criteria provided, single submitter. Criteria: ACMG Guidelines, 2015. Collection method: clinical testing. Allele origin: unknown.

Dept Of Ophthalmology, Nagoya University
Classification: Pathogenic for Retinal dystrophy. Last evaluated: 2023-10-01. Review status: criteria provided, single submitter. Criteria: Submitter's publication. Collection method: research. Allele origin: germline. Affected: yes.

Literature cited by the submitters: PubMed 16909394 (cited by Labcorp Genetics (formerly Invitae), Labcorp); PubMed 17345604 (cited by Labcorp Genetics (formerly Invitae), Labcorp); PubMed 20690115 (cited by Labcorp Genetics (formerly Invitae), Labcorp); PubMed 28181551 (cited by Labcorp Genetics (formerly Invitae), Labcorp and Natera, Inc.).